The following is an entry in ClinVar:

ClinVar aggregate classification (germline): Uncertain significance (1 of 4 stars; one submission).

Submission:

Labcorp Genetics (formerly Invitae), Labcorp
Classification: Uncertain significance. Last evaluated: 2021-09-01. Review status: criteria provided, single submitter. Criteria: Invitae Variant Classification Sherloc (09022015). Collection method: clinical testing. Allele origin: germline.
Comment: In summary, the available evidence is currently insufficient to determine the role of this variant in disease. Therefore, it has been classified as a Variant of Uncertain Significance. Algorithms developed to predict the effect of missense changes on protein structure and function output the following: SIFT: "Tolerated"; PolyPhen-2: "Benign"; Align-GVGD: "Class C0". The glutamic acid amino acid residue is found in multiple mammalian species, which suggests that this missense change does not adversely affect protein function. This variant has not been reported in the literature in individuals affected with VCAN-related conditions. This variant is not present in population databases (ExAC no frequency). This sequence change replaces alanine with glutamic acid at codon 2874 of the VCAN protein (p.Ala2874Glu). The alanine residue is moderately conserved and there is a moderate physicochemical difference between alanine and glutamic acid.

NM_004385.5(VCAN):c.8621C>A (p.Ala2874Glu)

Genes: VCAN (versican; plus strand), VCAN-AS1 (VCAN antisense RNA 1; minus strand). Cytogenetic location: 5q14.3.
Variant type: single nucleotide variant.
Coding change: c.8621C>A on transcript NM_004385.5 (MANE Select); coding-DNA position 8621, C replaced by A.
Protein change: p.Ala2874Glu; replaces alanine 2874 with glutamic acid.
Molecular consequence: missense variant. On other transcripts: intron variant (2).
Genome position (GRCh38, 1-based): chr5:83,541,624, C>A. VCF-style: chr5-83541624-C-A. GRCh37 (hg19) VCF-style: chr5-82837443-C-A.
Other names: c.5660C>A, p.Ala1887Glu (NM_001164097.2); c.4004-3913C>A (NM_001164098.2); c.1043-3913C>A (NM_001126336.3); short protein forms A1887E, A2874E.
Identifiers: ClinVar variation 1379087 (VCV001379087.6), dbSNP rs147798761, ClinGen allele CA360293809.